The following is an entry in ClinVar:

ClinVar aggregate classification (germline): Benign/Likely benign. Review status: criteria provided, multiple submitters, no conflicts (2 of 4 stars). 5 submissions from 5 submitters: Benign (3); Likely benign (1). 1 of the submissions does not count toward it. Last evaluated 2026-01-27.

Conditions:
VAV1-related disorder. Also called: VAV1-related condition.

Allele frequency attached by ClinVar (database versions not stated): 1000 Genomes Project 0.00180; 1000 Genomes Project 30x 0.00219; gnomAD exomes 0.00473; ExAC 0.00482; gnomAD 0.00557 and 0.00605; ESP Exome Variant Server 0.00568; TOPMed 0.00665.
gnomAD v4.1: 10,272 of 1,553,770 alleles (0.66%); highest among the groups gnomAD compares: Non-Finnish European, 0.78%; 41 homozygotes.

Submissions (5):

Labcorp Genetics (formerly Invitae), Labcorp
Classification: Benign. Last evaluated: 2026-01-27. Review status: criteria provided, single submitter. Criteria: Invitae Variant Classification Sherloc (09022015). Collection method: clinical testing. Allele origin: germline.

CeGaT Center for Human Genetics Tuebingen
Classification: Likely benign. Last evaluated: 2024-02-01. Review status: criteria provided, single submitter. Criteria: CeGaT Center For Human Genetics Tuebingen Variant Classification Criteria Version 2. Collection method: clinical testing. Allele origin: germline. Affected: yes. Observed: 4 variant alleles.
Comment: VAV1: BP4, BS2

ARUP Laboratories, Molecular Genetics and Genomics, ARUP Laboratories
Classification: Benign. Last evaluated: 2023-10-06. Review status: criteria provided, single submitter. Criteria: ARUP Molecular Germline Variant Investigation Process 2024. Collection method: clinical testing. Allele origin: germline.

Breakthrough Genomics
Classification: Benign. Review status: criteria provided, single submitter. Criteria: ACMG Guidelines, 2015. Collection method: not provided. Allele origin: germline. Inheritance: Unknown mechanism. Affected: yes.

PreventionGenetics, part of Exact Sciences
Classification: Likely benign for VAV1-related condition. Last evaluated: 2022-01-31. Review status: no assertion criteria provided. Collection method: clinical testing. Allele origin: germline. Not counted in ClinVar's aggregate classification.
Comment: This variant is classified as likely benign based on ACMG/AMP sequence variant interpretation guidelines (Richards et al. 2015 PMID: 25741868, with internal and published modifications).

NM_005428.4(VAV1):c.835G>A (p.Val279Ile)

Gene: VAV1 (vav guanine nucleotide exchange factor 1; plus strand). Cytogenetic location: 19p13.3.
Variant type: single nucleotide variant.
Coding change: c.835G>A on transcript NM_005428.4 (MANE Select); coding-DNA position 835, G replaced by A.
Protein change: p.Val279Ile; replaces valine 279 with isoleucine.
Molecular consequence: missense variant.
Genome position (GRCh38, 1-based): chr19:6,826,619, G>A. VCF-style: chr19-6826619-G-A. GRCh37 (hg19) VCF-style: chr19-6826630-G-A.
Other names: c.835G>A, p.Val279Ile (NM_001258206.2); c.739G>A, p.Val247Ile (NM_001258207.2); short protein forms V247I, V279I.
Identifiers: ClinVar variation 440400 (VCV000440400.44), dbSNP rs117819421, ClinGen allele CA9132366.
Genomic context (GRCh38, chr19:6,826,619, plus strand): 5'-GCCCGACCTTGATGCCAGTCACCTTTACCTGGTGGCCTGTCTTCTCCCTGTAGGTTCCTC[G>A]TCTATGGCCGCTACTGCAGCCAGGTGGAGTCAGCCAGCAAACACCTGGACCGTGTGGCCG-3'
Protein context (NP_005419.2, residues 269-289): VFIKYKERFL[Val279Ile]YGRYCSQVES